The following is an entry in ClinVar:

NM_000088.4(COL1A1):c.1930-29_1930-18del

Gene: COL1A1 (collagen type I alpha 1 chain; minus strand). Cytogenetic location: 17q21.33.
Variant type: Deletion.
Coding change: c.1930-29_1930-18del on transcript NM_000088.4 (MANE Select); 29 bases into the intron before coding-DNA position 1930 through 18 bases into the intron before coding-DNA position 1930, 12 bases deleted (TCCCTTCTTCCC).
Molecular consequence: intron variant.
Genome position (GRCh38, 1-based): chr17:50,192,546-50,192,557, GGGAAGAAGGGA deleted on the plus strand (TCCCTTCTTCCC on the coding strand, the reverse complement: COL1A1 is on the minus strand); deleting any 12 consecutive bases within chr17:50,192,546-50,192,563 gives the same sequence; the c. name uses the placement nearest the transcript's 3' end. VCF-style (leftmost placement, unchanged base first): chr17-50192545-GGGGAAGAAGGGA-G. GRCh37 (hg19) VCF-style: chr17-48269906-GGGGAAGAAGGGA-G.
Identifiers: ClinVar variation 681036 (VCV000681036.4), dbSNP rs1598293534, ClinGen allele CA915950608.

ClinVar aggregate classification (germline): Likely benign. Review status: criteria provided, multiple submitters, no conflicts (2 of 4 stars). 2 submissions from 2 submitters: Likely benign (2). Last evaluated 2025-06-09.

Conditions:
Osteogenesis imperfecta type I (OI1). Also called: Lobstein disease; Lobstein's Disease; Osteogenesis imperfecta type 1; Classic Non-deforming Osteogenesis Imperfecta with Blue Sclerae; OI, TYPE I; OSTEOGENESIS IMPERFECTA TARDA. Identifiers: Orphanet 216796, Orphanet 666, MedGen C0023931, MONDO:0008146, OMIM 166200. Disease mechanism: loss of function.

Submissions (2):

Labcorp Genetics (formerly Invitae), Labcorp
Classification: Likely benign for Osteogenesis imperfecta type I. Last evaluated: 2025-06-09. Review status: criteria provided, single submitter. Criteria: Invitae Variant Classification Sherloc (09022015). Collection method: clinical testing. Allele origin: germline.

GeneDx
Classification: Likely benign. Last evaluated: 2018-03-23. Review status: criteria provided, single submitter. Criteria: GeneDx Variant Classification (06012015). Collection method: clinical testing. Allele origin: germline. Affected: yes.
Comment: This variant is considered likely benign or benign based on one or more of the following criteria: it is a conservative change, it occurs at a poorly conserved position in the protein, it is predicted to be benign by multiple in silico algorithms, and/or has population frequency not consistent with disease.